The following is an entry in ClinVar:

ClinVar aggregate classification (germline): Conflicting classifications of pathogenicity. Review status: criteria provided, conflicting classifications (1 of 4 stars). 3 submissions from 3 submitters: Uncertain significance (2); Likely benign (1). Last evaluated 2025-10-03.

Conditions:
Microcephaly with or without chorioretinopathy, lymphedema, or impaired intellectual development. Also called: MICROCEPHALY AND CHORIORETINOPATHY WITH OR WITHOUT MENTAL RETARDATION, AUTOSOMAL DOMINANT; MICROCEPHALY, LYMPHEDEMA, CHORIORETINAL DYSPLASIA SYNDROME; Microcephaly lymphedema chorioretinal dysplasia; Microcephaly with or without chorioretinopathy, lymphedema, or mental retardation; Microcephaly with or without chorioretinopathy, lymphedema, or intellectual disability. Identifiers: Orphanet 2526, MedGen C1835265, MONDO:0007918, OMIM 152950.
Inborn genetic diseases. Identifiers: MedGen C0950123, MeSH D030342.

Allele frequency attached by ClinVar (database versions not stated): gnomAD 0.00006 and 0.00005; gnomAD exomes below 0.00001; TOPMed 0.00008.
gnomAD v4.1: 19 of 1,578,596 alleles (0.0012%); highest among the groups gnomAD compares: African/African-American, 0.026%; no homozygotes.

Submissions (3):

Labcorp Genetics (formerly Invitae), Labcorp
Classification: Likely benign. Last evaluated: 2025-10-03. Review status: criteria provided, single submitter. Criteria: Invitae Variant Classification Sherloc (09022015). Collection method: clinical testing. Allele origin: germline.

Ambry Genetics
Classification: Uncertain significance for Inborn genetic diseases. Last evaluated: 2025-01-26. Review status: criteria provided, single submitter. Criteria: Ambry Variant Classification Scheme 2023. Collection method: clinical testing. Allele origin: germline.

New York Genome Center
Classification: Uncertain significance for Microcephaly with or without chorioretinopathy, lymphedema, or impaired intellectual development. Last evaluated: 2019-09-13. Review status: criteria provided, single submitter. Criteria: NYGC Assertion Criteria 2020. Collection method: clinical testing. Allele origin: germline. Observed: 1 heterozygote. Study: CSER-NYCKidSeq.
Comment: The c.2018A>T (p.Lys673Met) variant identified in the KIF11 gene substitutes a moderately conserved Lysine for Methionine at amino acid 673/1057 (coding exon 16/22). This variant is found with low frequency in gnomAD (3 heterozygotes, 0 homozygotes; allele frequency: 1.22e5) and is absent from ExAC, suggesting it is not a common benign variant in the populations represented in these databases.In silico algorithms do not agree on the effect this variant will have on the canonical transcript, as it is predicted both Neutral (Provean; score:-1.18) and Damaging (SIFT; score: 0.016) to function. This variant is absent from ClinVar, and to our current knowledge has not been reported in affected individuals in the literature. The p.Lys673 residue is not found within a specific domain of KIF11, and while pathogenic missense variantshave been previously reported in affected individuals they are typically found within the N-terminal motor domain or at specific residues important for protein function [PMID: 25934493; PMID: 24281367]. It is currently unclear if variation at the p.Lys673 residue leads to altered protein function. Given the lack of compelling information regarding the pathogenicity of the c.2018A>T (p.Lys673Met) variant, it is reported here as a Variant of Uncertain Significance.

NM_004523.4(KIF11):c.2018A>T (p.Lys673Met)

Gene: KIF11 (kinesin family member 11; plus strand). Cytogenetic location: 10q23.33.
Variant type: single nucleotide variant.
Coding change: c.2018A>T on transcript NM_004523.4 (MANE Select); coding-DNA position 2018, A replaced by T.
Protein change: p.Lys673Met; replaces lysine 673 with methionine.
Molecular consequence: missense variant.
Genome position (GRCh38, 1-based): chr10:92,637,403, A>T. VCF-style: chr10-92637403-A-T. GRCh37 (hg19) VCF-style: chr10-94397160-A-T.
Other names: short protein forms K673M.
Identifiers: ClinVar variation 992723 (VCV000992723.10), dbSNP rs1235363221, ClinGen allele CA377593232.